The following is an entry in ClinVar:

NM_177438.3(DICER1):c.5072C>T (p.Ser1691Phe)

Gene: DICER1 (dicer 1, ribonuclease III; minus strand). Cytogenetic location: 14q32.13.
Variant type: single nucleotide variant.
Coding change: c.5072C>T on transcript NM_177438.3 (MANE Select); coding-DNA position 5072, C replaced by T.
Protein change: p.Ser1691Phe; replaces serine 1691 with phenylalanine.
Molecular consequence: missense variant. On other transcripts: non-coding transcript variant (6).
Genome position (GRCh38, 1-based): chr14:95,095,848, G>A on the plus strand (C>T on the coding strand, the complement: DICER1 is on the minus strand). VCF-style: chr14-95095848-G-A. GRCh37 (hg19) VCF-style: chr14-95562185-G-A.
Other names: c.5072C>T, p.Ser1691Phe (NM_001195573.1, NM_001271282.3, NM_001291628.2 and 12 more transcripts); c.4790C>T, p.Ser1597Phe (NM_001395686.1); c.4667C>T, p.Ser1556Phe (NM_001395687.1, NM_001395688.1, NM_001395689.1 and 2 more transcripts); c.4505C>T, p.Ser1502Phe (NM_001395691.1); c.3389C>T, p.Ser1130Phe (NM_001395697.1); short protein forms S1130F, S1502F, S1556F, S1597F, S1691F.
Identifiers: ClinVar variation 4240530 (VCV004240530.1).

ClinVar aggregate classification (germline): Uncertain significance (1 of 4 stars; one submission).

Conditions:
Hereditary cancer-predisposing syndrome. Also called: Hereditary Cancer Syndrome; Hereditary neoplastic syndrome; Neoplastic Syndromes, Hereditary; Tumor predisposition. Identifiers: Orphanet 140162, MedGen C0027672, MeSH D009386, MONDO:0015356.

Submission:

Ambry Genetics
Classification: Uncertain significance for Hereditary cancer-predisposing syndrome. Last evaluated: 2025-08-25. Review status: criteria provided, single submitter. Criteria: Ambry Variant Classification Scheme 2023. Collection method: clinical testing. Allele origin: germline.
Comment: The p.S1691F variant (also known as c.5072C>T), located in coding exon 22 of the DICER1 gene, results from a C to T substitution at nucleotide position 5072. The serine at codon 1691 is replaced by phenylalanine, an amino acid with highly dissimilar properties. This amino acid position is conserved. In addition, this alteration is predicted to be deleterious by in silico analysis. Based on the available evidence, the clinical significance of this variant remains unclear.